The following is an entry in ClinVar:

NM_005585.5(SMAD6):c.520A>C (p.Thr174Pro)

Gene: SMAD6 (SMAD family member 6; plus strand). Cytogenetic location: 15q22.31.
Variant type: single nucleotide variant.
Coding change: c.520A>C on transcript NM_005585.5 (MANE Select); coding-DNA position 520, A replaced by C.
Protein change: p.Thr174Pro; replaces threonine 174 with proline.
Molecular consequence: missense variant. On other transcripts: non-coding transcript variant (1).
Genome position (GRCh38, 1-based): chr15:66,703,778, A>C. VCF-style: chr15-66703778-A-C. GRCh37 (hg19) VCF-style: chr15-66996116-A-C.
Other names: short protein forms T174P.
Identifiers: ClinVar variation 3320655 (VCV003320655.2).

ClinVar aggregate classification (germline): Uncertain significance (1 of 4 stars; one submission).

Conditions:
Inborn genetic diseases. Identifiers: MedGen C0950123, MeSH D030342.

Submission:

Ambry Genetics
Classification: Uncertain significance for Inborn genetic diseases. Last evaluated: 2026-01-24. Review status: criteria provided, single submitter. Criteria: Ambry Variant Classification Scheme 2023. Collection method: clinical testing. Allele origin: germline.
Comment: The p.T174P variant (also known as c.520A>C), located in coding exon 1 of the SMAD6 gene, results from an A to C substitution at nucleotide position 520. The threonine at codon 174 is replaced by proline, an amino acid with highly similar properties. This amino acid position is conserved. In addition, this alteration is predicted to be tolerated by in silico analysis. Based on the available evidence, the clinical significance of this variant remains unclear.